The following is an entry in ClinVar:

NM_001046.3(SLC12A2):c.2987G>A (p.Gly996Asp)

Gene: SLC12A2 (solute carrier family 12 member 2; plus strand). Cytogenetic location: 5q23.3.
Variant type: single nucleotide variant.
Coding change: c.2987G>A on transcript NM_001046.3 (MANE Select); coding-DNA position 2987, G replaced by A.
Protein change: p.Gly996Asp; replaces glycine 996 with aspartic acid.
Molecular consequence: missense variant. On other transcripts: non-coding transcript variant (1).
Genome position (GRCh38, 1-based): chr5:128,178,576, G>A. VCF-style: chr5-128178576-G-A. GRCh37 (hg19) VCF-style: chr5-127514268-G-A.
Other names: c.2939G>A, p.Gly980Asp (NM_001256461.2); short protein forms G980D, G996D.
Identifiers: ClinVar variation 5009470 (VCV005009470.1).
Genomic context (GRCh38, chr5:128,178,576, plus strand): 5'-GGACTTTAATATTTACTTTGCTTACATTTTATATTTTGCTTAATCCTTTAGAATCCAAAG[G>A]CCCTATTGTGCCTTTAAATGTAGCTGACCAAAAGCTTCTTGAAGCTAGTACACAGTTTCA-3'
Protein context (NP_001037.1, residues 986-1006): TQPLLKKESK[Gly996Asp]PIVPLNVADQ

ClinVar aggregate classification (germline): Uncertain significance (1 of 4 stars; one submission).

Submission:

GeneDx
Classification: Uncertain significance. Last evaluated: 2026-03-18. Review status: criteria provided, single submitter. Criteria: GeneDx Variant Classification Process June 2021. Collection method: clinical testing. Allele origin: germline.
Comment: Not observed at significant frequency in large population cohorts (gnomAD); In silico analysis suggests that this missense variant does not alter protein structure/function; Has not been previously published as pathogenic or benign to our knowledge